The following is an entry in ClinVar:

ClinVar aggregate classification (germline): Likely benign (1 of 4 stars; one submission).

Allele frequency attached by ClinVar (database versions not stated): gnomAD 0.00004; gnomAD exomes 0.00005; TOPMed 0.00005; ExAC 0.00009; 1000 Genomes Project 30x 0.00016; 1000 Genomes Project 0.00020.
gnomAD v4.1: 85 of 1,614,008 alleles (0.0053%); highest among the groups gnomAD compares: East Asian, 0.056%; 1 homozygote.

Submission:

CeGaT Center for Human Genetics Tuebingen
Classification: Likely benign. Last evaluated: 2022-03-01. Review status: criteria provided, single submitter. Criteria: CeGaT Center For Human Genetics Tuebingen Variant Classification Criteria Version 2. Collection method: clinical testing. Allele origin: germline. Affected: yes. Observed: 1 variant allele.
Comment: KCNH4: BP4, BP7

NM_012285.3(KCNH4):c.690C>T (p.Asp230=)

Gene: KCNH4 (potassium voltage-gated channel subfamily H member 4; minus strand). Cytogenetic location: 17q21.2.
Variant type: single nucleotide variant.
Coding change: c.690C>T on transcript NM_012285.3 (MANE Select); coding-DNA position 690, C replaced by T.
Protein change: p.Asp230=; no amino-acid change (aspartic acid 230 retained).
Molecular consequence: synonymous variant.
Genome position (GRCh38, 1-based): chr17:42,176,193, G>A on the plus strand (C>T on the coding strand, the complement: KCNH4 is on the minus strand). VCF-style: chr17-42176193-G-A. GRCh37 (hg19) VCF-style: chr17-40328211-G-A.
Identifiers: ClinVar variation 2647783 (VCV002647783.24), dbSNP rs540691706, ClinGen allele CA8573000.